The following is an entry in ClinVar:

NM_000548.5(TSC2):c.3126G>C (p.Pro1042=)

Gene: TSC2 (TSC complex subunit 2; plus strand). Cytogenetic location: 16p13.3.
Variant type: single nucleotide variant.
Coding change: c.3126G>C on transcript NM_000548.5 (MANE Select); coding-DNA position 3126, G replaced by C.
Protein change: p.Pro1042=; no amino-acid change (proline 1042 retained).
Molecular consequence: synonymous variant.
Genome position (GRCh38, 1-based): chr16:2,079,191, G>C. VCF-style: chr16-2079191-G-C. GRCh37 (hg19) VCF-style: chr16-2129192-G-C.
Other names: p.P1042P:CCG>CCC; p.Pro1042=; c.3126G>C (NM_000548.4); c.2994G>C, p.Pro998= (NM_001077183.3, NM_001370404.1); c.3126G>C, p.Pro1042= (NM_001114382.3); c.2886G>C, p.Pro962= (NM_001318827.2); c.2850G>C, p.Pro950= (NM_001318829.2); c.2394G>C, p.Pro798= (NM_001318831.2); and 2 more.
Identifiers: ClinVar variation 49739 (VCV000049739.46), dbSNP rs36078782, ClinGen allele CA018556.

ClinVar aggregate classification (germline): Benign/Likely benign. Review status: criteria provided, multiple submitters, no conflicts (2 of 4 stars). 23 submissions from 23 submitters: Benign (17); Likely benign (1). 5 of the submissions do not count toward it. Last evaluated 2026-02-04.

Conditions:
Hereditary cancer-predisposing syndrome. Also called: Neoplastic Syndromes, Hereditary; Tumor predisposition; Hereditary Cancer Syndrome; Hereditary neoplastic syndrome. Identifiers: Orphanet 140162, MedGen C0027672, MeSH D009386, MONDO:0015356.
Tuberous sclerosis 2 (TSC2). Identifiers: Orphanet 805, MedGen C1860707, MONDO:0013199, OMIM 613254.
Lymphangiomyomatosis (LAM). Also called: Lymphangioleiomyomatosis; Lymphangioleiomyomatosis, somatic. Identifiers: Orphanet 538, MedGen C0751674, MONDO:0011705, OMIM 606690.
Isolated focal cortical dysplasia type II (FCORD2). Also called: CORTICAL DYSPLASIA OF TAYLOR; Focal cortical dysplasia type II. Identifiers: Orphanet 268994, MedGen C1846385, MONDO:0011818, OMIM 607341, HP:0032051.
Tuberous sclerosis syndrome (TSC). Also called: Tuberous Sclerosis Complex; Tuberous sclerosis. Identifiers: Orphanet 805, MedGen C0041341, MONDO:0001734.

Allele frequency attached by ClinVar (database versions not stated): ESP Exome Variant Server 0.01254; 1000 Genomes Project 0.01278; 1000 Genomes Project 30x 0.01421; TOPMed 0.01447.
gnomAD v4.1: 3,890 of 1,612,862 alleles (0.24%); highest among the groups gnomAD compares: African/African-American, 4.5%; 71 homozygotes.

Submissions (23):

Labcorp Genetics (formerly Invitae), Labcorp
Classification: Benign for Tuberous sclerosis 2. Last evaluated: 2026-02-04. Review status: criteria provided, single submitter. Criteria: Invitae Variant Classification Sherloc (09022015). Collection method: clinical testing. Allele origin: germline.

Athena Diagnostics
Classification: Benign. Last evaluated: 2025-08-19. Review status: criteria provided, single submitter. Criteria: Athena Diagnostics Criteria. Collection method: clinical testing. Allele origin: unknown.
Comment: The frequency of this variant in the general population is higher than would generally be expected for pathogenic variants in this gene. Computational tools yielded predictions that this variant is unlikely to have an effect on normal RNA splicing. This nucleotide position exhibits low evolutionary conservation.

Mayo Clinic Laboratories, Mayo Clinic
Classification: Benign. Last evaluated: 2025-06-05. Review status: criteria provided, single submitter. Criteria: ACMG Guidelines, 2015. Collection method: clinical testing. Allele origin: germline. Observed: 6 variant alleles.
Comment: BA1, BP4, BP7

Myriad Genetics, Inc.
Classification: Benign for Tuberous sclerosis 2. Last evaluated: 2025-05-28. Review status: criteria provided, single submitter. Criteria: Myriad Autosomal Dominant, Autosomal Recessive and X-Linked Classification Criteria (2023). Collection method: clinical testing. Allele origin: unknown.
Comment: This variant is considered benign. This variant is a silent/synonymous amino acid change and it is not expected to impact splicing.

ARUP Laboratories, Molecular Genetics and Genomics, ARUP Laboratories
Classification: Benign. Last evaluated: 2024-09-16. Review status: criteria provided, single submitter. Criteria: ARUP Molecular Germline Variant Investigation Process 2024. Collection method: clinical testing. Allele origin: germline.

All of Us Research Program, National Institutes of Health
Classification: Benign for Tuberous sclerosis syndrome. Last evaluated: 2024-02-05. Review status: criteria provided, single submitter. Criteria: ACMG Guidelines, 2015. Collection method: clinical testing. Allele origin: germline. Inheritance: Autosomal dominant inheritance. Observed: 710 variant alleles, 696 heterozygotes, 14 homozygotes.
Comment: This study involves interpretation of variants in research participants for the purpose of population health screening. Participant phenotype was not available at the time of variant classification. Additional details can be found in publication PMID: 35346344, PMCID: PMC8962531

Department of Pathology and Laboratory Medicine, Sinai Health System
Classification: Benign for Lymphangiomyomatosis; Isolated focal cortical dysplasia type II; Tuberous sclerosis 2. Last evaluated: 2023-08-23. Review status: criteria provided, single submitter. Criteria: ACMG Guidelines, 2015. Collection method: clinical testing. Allele origin: germline. Affected: yes.

KCCC/NGS Laboratory, Kuwait Cancer Control Center
Classification: Benign for Tuberous sclerosis 2. Last evaluated: 2023-07-07. Review status: criteria provided, single submitter. Criteria: ACMG Guidelines, 2015. Collection method: clinical testing. Allele origin: germline. Affected: yes.

Color Diagnostics, LLC DBA Color Health
Classification: Benign for Tuberous sclerosis syndrome. Last evaluated: 2022-08-17. Review status: criteria provided, single submitter. Criteria: ACMG Guidelines, 2015. Collection method: clinical testing. Allele origin: germline.

Genome-Nilou Lab
Classification: Benign for Tuberous sclerosis 2. Last evaluated: 2021-11-07. Review status: criteria provided, single submitter. Criteria: ACMG Guidelines, 2015. Collection method: clinical testing. Allele origin: germline. Affected: no.

Fulgent Genetics
Classification: Likely benign for Lymphangiomyomatosis; Isolated focal cortical dysplasia type II; Tuberous sclerosis 2. Last evaluated: 2021-07-23. Review status: criteria provided, single submitter. Criteria: ACMG Guidelines, 2015. Collection method: clinical testing. Allele origin: unknown.

Sema4
Classification: Benign for Hereditary cancer-predisposing syndrome. Last evaluated: 2020-08-04. Review status: criteria provided, single submitter. Criteria: Sema4 Curation Guidelines. Collection method: curation. Allele origin: germline.

Women's Health and Genetics/Laboratory Corporation of America, LabCorp
Classification: Benign. Last evaluated: 2018-06-05. Review status: criteria provided, single submitter. Criteria: LabCorp Variant Classification Summary - May 2015. Collection method: clinical testing. Allele origin: germline.
Comment: Variant summary: TSC2 c.3126G>C alters a non-conserved nucleotide resulting in a synonymous change. 5/5 computational tools predict no significant impact on normal splicing. However, these predictions have yet to be confirmed by functional studies. The variant allele was found at a frequency of 0.0042 in 276670 control chromosomes in the gnomAD database, including 26 homozygotes. The observed variant frequency is approximately 61-folds higher than the estimated maximal expected allele frequency for a pathogenic variant in TSC2 causing Tuberous Sclerosis Complex phenotype (6.9e-05), strongly suggesting that the variant is benign. To our knowledge, no occurrence of c.3126G>C in individuals affected with Tuberous Sclerosis Complex and no experimental evidence demonstrating its impact on protein function have been reported. Three ClinVar submissions from clinical diagnostic laboratories (evaluation after 2014) cites the variant as benign/likely benign. Based on the evidence outlined above, the variant was classified as benign.

Illumina Laboratory Services, Illumina
Classification: Benign for Tuberous sclerosis syndrome. Last evaluated: 2018-01-13. Review status: criteria provided, single submitter. Criteria: ICSL Variant Classification Criteria 13 December 2019. Collection method: clinical testing. Allele origin: germline.
Comment: This variant was observed in the ICSL laboratory as part of a predisposition screen in an ostensibly healthy population. It had not been previously curated by ICSL or reported in the Human Gene Mutation Database (HGMD: prior to June 1st, 2018), and was therefore a candidate for classification through an automated scoring system. Utilizing variant allele frequency, disease prevalence and penetrance estimates, and inheritance mode, an automated score was calculated to assess if this variant is too frequent to cause the disease. Based on the score and internal cut-off values, a variant classified as benign is not then subjected to further curation. The score for this variant resulted in a classification of benign for this disease.

Ambry Genetics
Classification: Benign for Hereditary cancer-predisposing syndrome. Last evaluated: 2014-12-23. Review status: criteria provided, single submitter. Criteria: Ambry Variant Classification Scheme 2023. Collection method: clinical testing. Allele origin: germline.

GeneDx
Classification: Benign. Last evaluated: 2013-09-24. Review status: criteria provided, single submitter. Criteria: GeneDx Variant Classification (06012015). Collection method: clinical testing. Allele origin: germline. Affected: yes.
Comment: This variant is considered likely benign or benign based on one or more of the following criteria: it is a conservative change, it occurs at a poorly conserved position in the protein, it is predicted to be benign by multiple in silico algorithms, and/or has population frequency not consistent with disease.

Breakthrough Genomics
Classification: Benign. Review status: criteria provided, single submitter. Criteria: ACMG Guidelines, 2015. Collection method: not provided. Allele origin: germline. Inheritance: Autosomal dominant inheritance. Affected: yes.

PreventionGenetics, part of Exact Sciences
Classification: Benign. Review status: criteria provided, single submitter. Criteria: ACMG Guidelines, 2015. Collection method: clinical testing. Allele origin: germline.

Clinical Genetics DNA and cytogenetics Diagnostics Lab, Erasmus MC, Erasmus Medical Center
Classification: Benign. Review status: no assertion criteria provided. Collection method: clinical testing. Allele origin: germline. Affected: yes. Study: VKGL Data-share Consensus. Not counted in ClinVar's aggregate classification.

Genetic Services Laboratory, University of Chicago
Classification: Likely benign for AllHighlyPenetrant. Review status: no assertion criteria provided. Collection method: clinical testing. Allele origin: germline. Inheritance: Autosomal dominant inheritance. Not counted in ClinVar's aggregate classification.
Comment: Likely benign based on allele frequency in 1000 Genomes Project or ESP global frequency and its presence in a patient with a rare or unrelated disease phenotype. NOT Sanger confirmed.

Genome Diagnostics Laboratory, Amsterdam University Medical Center
Classification: Benign. Review status: no assertion criteria provided. Collection method: clinical testing. Allele origin: germline. Affected: yes. Study: VKGL Data-share Consensus. Not counted in ClinVar's aggregate classification.

Genome Diagnostics Laboratory, University Medical Center Utrecht
Classification: Benign. Review status: no assertion criteria provided. Collection method: clinical testing. Allele origin: germline. Affected: yes. Study: VKGL Data-share Consensus. Not counted in ClinVar's aggregate classification.

Tuberous sclerosis database (TSC2)
No classification provided. Condition: TSC. Review status: no classification provided. Criteria: Tuberous Sclerosis Database Assertion Criteria 2015. Collection method: curation. Allele origin: germline. Affected: yes and no. Not counted in ClinVar's aggregate classification.

Literature cited by the submitters: PubMed 17304050 (cited by Athena Diagnostics); PubMed 16981987 (cited by Athena Diagnostics).